The following is an entry in ClinVar:

ClinVar aggregate classification (germline): Conflicting classifications of pathogenicity. Review status: criteria provided, conflicting classifications (1 of 4 stars). 6 submissions from 6 submitters: Uncertain significance (5); Likely benign (1). Last evaluated 2025-12-21.

Conditions:
Hereditary cancer-predisposing syndrome. Also called: Tumor predisposition; Hereditary neoplastic syndrome; Neoplastic Syndromes, Hereditary; Hereditary Cancer Syndrome. Identifiers: Orphanet 140162, MedGen C0027672, MeSH D009386, MONDO:0015356.
Hereditary breast ovarian cancer syndrome. Also called: Hereditary breast and ovarian cancer; Breast and ovarian cancer; Hereditary breast and/or ovarian cancer syndrome; Hereditary breast and ovarian cancer syndrome; Hereditary breast and ovarian cancer syndrome (HBOC); BRCA1- and BRCA2-Associated Hereditary Breast and Ovarian Cancer. Identifiers: Orphanet 145, MedGen C0677776, MeSH D061325, MONDO:0003582. Disease mechanism: loss of function.

Submissions (6):

Labcorp Genetics (formerly Invitae), Labcorp
Classification: Uncertain significance for Hereditary breast ovarian cancer syndrome. Last evaluated: 2025-12-21. Review status: criteria provided, single submitter. Criteria: Invitae Variant Classification Sherloc (09022015). Collection method: clinical testing. Allele origin: germline.
Comment: This sequence change replaces alanine, which is neutral and non-polar, with serine, which is neutral and polar, at codon 2185 of the BRCA2 protein (p.Ala2185Ser). This variant is not present in population databases (gnomAD no frequency). This missense change has been observed in individual(s) with a personal and/or family history of breast and/or ovarian cancer (PMID: 21120943). ClinVar contains an entry for this variant (Variation ID: 860014). Invitae Evidence Modeling of protein sequence and biophysical properties (such as structural, functional, and spatial information, amino acid conservation, physicochemical variation, residue mobility, and thermodynamic stability) indicates that this missense variant is not expected to disrupt BRCA2 protein function with a negative predictive value of 95%. In summary, the available evidence is currently insufficient to determine the role of this variant in disease. Therefore, it has been classified as a Variant of Uncertain Significance.

Color Diagnostics, LLC DBA Color Health
Classification: Uncertain significance for Hereditary cancer-predisposing syndrome. Last evaluated: 2025-09-17. Review status: criteria provided, single submitter. Criteria: ACMG Guidelines, 2015. Collection method: clinical testing. Allele origin: germline.
Comment: This missense variant replaces alanine with serine at codon 2185 of the BRCA2 protein. Computational prediction suggests that this variant may not impact protein structure and function. To our knowledge, functional studies have not been reported for this variant. This variant has been reported in an individual with a personal or family history of breast and/or ovarian cancer (PMID: 21120943). This variant has not been identified in the general population by the Genome Aggregation Database (gnomAD). The available evidence is insufficient to determine the role of this variant in disease conclusively. Therefore, this variant is classified as a Variant of Uncertain Significance.

Women's Health and Genetics/Laboratory Corporation of America, LabCorp
Classification: Uncertain significance. Last evaluated: 2024-10-08. Review status: criteria provided, single submitter. Criteria: LabCorp Variant Classification Summary - May 2015. Collection method: clinical testing. Allele origin: germline.
Comment: Variant summary: BRCA2 c.6553G>T (p.Ala2185Ser) results in a conservative amino acid change in the encoded protein sequence. Five of five in-silico tools predict a benign effect of the variant on protein function. The variant was absent in 246856 control chromosomes. The available data on variant occurrences in the general population are insufficient to allow any conclusion about variant significance. c.6553G>T has been reported in the literature in individuals affected with Hereditary Breast And Ovarian Cancer Syndrome (Caux-Moncoutier_2011). These report(s) do not provide unequivocal conclusions about association of the variant with Hereditary Breast And Ovarian Cancer Syndrome. To our knowledge, no experimental evidence demonstrating an impact on protein function has been reported. The following publication have been ascertained in the context of this evaluation (PMID: 21120943). ClinVar contains an entry for this variant (Variation ID: 860014). Based on the evidence outlined above, the variant was classified as uncertain significance.

Ambry Genetics
Classification: Uncertain significance for Hereditary cancer-predisposing syndrome. Last evaluated: 2023-12-05. Review status: criteria provided, single submitter. Criteria: Ambry Variant Classification Scheme 2023. Collection method: clinical testing. Allele origin: germline.
Comment: The p.A2185S variant (also known as c.6553G>T), located in coding exon 10 of the BRCA2 gene, results from a G to T substitution at nucleotide position 6553. The alanine at codon 2185 is replaced by serine, an amino acid with similar properties. In one study, this variant was observed in 1/1525 unrelated patients who had BRCA1/2 genetic testing due to a personal and/or family history suspicious for Hereditary Breast and/or Ovarian Cancer syndrome (Caux-Moncoutier V et al. Hum Mutat, 2011 Mar;32:325-34). This amino acid position is not well conserved in available vertebrate species. In addition, this alteration is predicted to be tolerated by in silico analysis. Since supporting evidence is limited at this time, the clinical significance of this alteration remains unclear.

Quest Diagnostics Nichols Institute San Juan Capistrano
Classification: Uncertain significance. Last evaluated: 2023-07-25. Review status: criteria provided, single submitter. Criteria: Quest Diagnostics criteria. Collection method: clinical testing. Allele origin: unknown.
Comment: In the published literature, this variant has been identified in at least one individual with a personal and/or family history of breast and/or ovarian cancer (PMID: 21120943 (2011)). It has also been reported to be located in a region of the BRCA2 gene that is tolerant to missense sequence changes (PMID: 31911673 (2020)). This variant has not been reported in large, multi-ethnic general populations (Genome Aggregation Database). Analysis of this variant using bioinformatics tools for the prediction of the effect of amino acid changes on protein structure and function yielded predictions that this variant is benign. Based on the available information, we are unable to determine the clinical significance of this variant.

University of Washington Department of Laboratory Medicine, University of Washington
Classification: Likely benign for Hereditary cancer-predisposing syndrome. Last evaluated: 2023-03-23. Review status: criteria provided, single submitter. Criteria: Dines et al. (Genet Med. 2020). Collection method: curation. Allele origin: germline.
Comment: Missense variant in a coldspot region where missense variants are very unlikely to be pathogenic (PMID:31911673).

BRCA2 exon 11 coldspot. Reclassification based on statistical prior probability.

Literature cited by the submitters: PubMed 21120943 (cited by 5 submitters); PubMed 31911673 (cited by Quest Diagnostics Nichols Institute San Juan Capistrano).

NM_000059.4(BRCA2):c.6553G>T (p.Ala2185Ser)

Gene: BRCA2 (BRCA2 DNA repair associated; plus strand). Cytogenetic location: 13q13.1.
Variant type: single nucleotide variant.
Coding change: c.6553G>T on transcript NM_000059.4 (MANE Select); coding-DNA position 6553, G replaced by T.
Protein change: p.Ala2185Ser; replaces alanine 2185 with serine.
Molecular consequence: missense variant.
Genome position (GRCh38, 1-based): chr13:32,340,908, G>T. VCF-style: chr13-32340908-G-T. GRCh37 (hg19) VCF-style: chr13-32915045-G-T.
Other names: short protein forms A2185S.
Identifiers: ClinVar variation 860014 (VCV000860014.13), dbSNP rs746070652, ClinGen allele CA387789806.